The following is an entry in ClinVar:

ClinVar aggregate classification (germline): Uncertain significance. Review status: criteria provided, multiple submitters, no conflicts (2 of 4 stars). 2 submissions from 2 submitters: Uncertain significance (2). Last evaluated 2025-10-03.

Conditions:
Inborn genetic diseases. Identifiers: MedGen C0950123, MeSH D030342.

Allele frequency attached by ClinVar (database versions not stated): TOPMed 0.00001; gnomAD exomes below 0.00001.
gnomAD v4.1: 2 of 1,614,104 alleles (0.00012%); highest among the groups gnomAD compares: African/African-American, 0.0027%; no homozygotes.

Submissions (2):

Labcorp Genetics (formerly Invitae), Labcorp
Classification: Uncertain significance. Last evaluated: 2025-10-03. Review status: criteria provided, single submitter. Criteria: Invitae Variant Classification Sherloc (09022015). Collection method: clinical testing. Allele origin: germline.
Comment: This sequence change replaces glutamine, which is neutral and polar, with leucine, which is neutral and non-polar, at codon 196 of the SLC9A3R1 protein (p.Gln196Leu). This variant is not present in population databases (gnomAD no frequency). This variant has not been reported in the literature in individuals affected with SLC9A3R1-related conditions. ClinVar contains an entry for this variant (Variation ID: 3199448). An algorithm developed to predict the effect of missense changes on protein structure and function (PolyPhen-2) suggests that this variant is likely to be tolerated. In summary, the available evidence is currently insufficient to determine the role of this variant in disease. Therefore, it has been classified as a Variant of Uncertain Significance.

Ambry Genetics
Classification: Uncertain significance for Inborn genetic diseases. Last evaluated: 2023-10-05. Review status: criteria provided, single submitter. Criteria: Ambry Variant Classification Scheme 2023. Collection method: clinical testing. Allele origin: germline.

NM_004252.5(NHERF1):c.587A>T (p.Gln196Leu)

Gene: NHERF1 (NHERF family PDZ scaffold protein 1; plus strand). Cytogenetic location: 17q25.1.
Variant type: single nucleotide variant.
Coding change: c.587A>T on transcript NM_004252.5 (MANE Select); coding-DNA position 587, A replaced by T.
Protein change: p.Gln196Leu; replaces glutamine 196 with leucine.
Molecular consequence: missense variant.
Genome position (GRCh38, 1-based): chr17:74,762,157, A>T. VCF-style: chr17-74762157-A-T. GRCh37 (hg19) VCF-style: chr17-72758296-A-T.
Other names: short protein forms Q196L.
Identifiers: ClinVar variation 3199448 (VCV003199448.2), dbSNP rs956472744, ClinGen allele CA293940298.